The following is an entry in ClinVar:

ClinVar aggregate classification (germline): Uncertain significance (1 of 4 stars; one submission).

Allele frequency attached by ClinVar (database versions not stated): TOPMed below 0.00001; gnomAD 0.00001.
gnomAD v4.1: 11 of 1,613,548 alleles (0.00068%); highest among the groups gnomAD compares: Middle Eastern, 0.016%; no homozygotes.

Submission:

Labcorp Genetics (formerly Invitae), Labcorp
Classification: Uncertain significance. Last evaluated: 2023-11-27. Review status: criteria provided, single submitter. Criteria: Invitae Variant Classification Sherloc (09022015). Collection method: clinical testing. Allele origin: germline.
Comment: This sequence change replaces arginine, which is basic and polar, with tryptophan, which is neutral and slightly polar, at codon 53 of the OCA2 protein (p.Arg53Trp). This variant is present in population databases (no rsID available, gnomAD 0.003%). This variant has not been reported in the literature in individuals affected with OCA2-related conditions. ClinVar contains an entry for this variant (Variation ID: 2193863). Advanced modeling of protein sequence and biophysical properties (such as structural, functional, and spatial information, amino acid conservation, physicochemical variation, residue mobility, and thermodynamic stability) performed at Invitae indicates that this missense variant is not expected to disrupt OCA2 protein function with a negative predictive value of 95%. In summary, the available evidence is currently insufficient to determine the role of this variant in disease. Therefore, it has been classified as a Variant of Uncertain Significance.

NM_000275.3(OCA2):c.157A>T (p.Arg53Trp)

Gene: OCA2 (OCA2 melanosomal transmembrane protein; minus strand). Cytogenetic location: 15q13.1.
Variant type: single nucleotide variant.
Coding change: c.157A>T on transcript NM_000275.3 (MANE Select); coding-DNA position 157, A replaced by T.
Protein change: p.Arg53Trp; replaces arginine 53 with tryptophan.
Molecular consequence: missense variant.
Genome position (GRCh38, 1-based): chr15:28,081,718, T>A on the plus strand (A>T on the coding strand, the complement: OCA2 is on the minus strand). VCF-style: chr15-28081718-T-A. GRCh37 (hg19) VCF-style: chr15-28326864-T-A.
Other names: c.157A>T, p.Arg53Trp (NM_001300984.2); short protein forms R53W.
Identifiers: ClinVar variation 2193863 (VCV002193863.3), dbSNP rs761810483, ClinGen allele CA391366656.